The following is an entry in ClinVar:

ClinVar aggregate classification (germline): Uncertain significance (1 of 4 stars; one submission).

Submission:

Ambry Genetics
Classification: Uncertain significance. Last evaluated: 2025-03-01. Review status: criteria provided, single submitter. Criteria: Ambry Variant Classification Scheme 2023. Collection method: clinical testing. Allele origin: germline.
Comment: The p.A20V variant (also known as c.59C>T), located in coding exon 1 of the GALNT12 gene, results from a C to T substitution at nucleotide position 59. The alanine at codon 20 is replaced by valine, an amino acid with similar properties. This amino acid position is conserved. In addition, this alteration is predicted to be tolerated by in silico analysis. Based on the available evidence, the clinical significance of this variant remains unclear.

NM_024642.5(GALNT12):c.59C>T (p.Ala20Val)

Genes: GALNT12 (polypeptide N-acetylgalactosaminyltransferase 12; plus strand), LOC130002222 (ATAC-STARR-seq lymphoblastoid silent region 20123; plus strand). Cytogenetic location: 9q22.33.
Variant type: single nucleotide variant.
Coding change: c.59C>T on transcript NM_024642.5 (MANE Select); coding-DNA position 59, C replaced by T.
Protein change: p.Ala20Val; replaces alanine 20 with valine.
Molecular consequence: missense variant.
Genome position (GRCh38, 1-based): chr9:98,807,757, C>T. VCF-style: chr9-98807757-C-T. GRCh37 (hg19) VCF-style: chr9-101570039-C-T.
Other names: short protein forms A20V.
Identifiers: ClinVar variation 3852648 (VCV003852648.1).